The following is an entry in ClinVar:

ClinVar aggregate classification (germline): Benign. Review status: criteria provided, multiple submitters, no conflicts (2 of 4 stars). 2 submissions from 2 submitters: Benign (2).

Conditions:
Complex I deficiency.

Allele frequency attached by ClinVar (database versions not stated): ESP Exome Variant Server 0.00285; TOPMed 0.00298; 1000 Genomes Project 30x 0.00656; 1000 Genomes Project 0.00659; gnomAD exomes 0.00760; ExAC 0.00831.
gnomAD v4.1: 8,247 of 1,613,858 alleles (0.51%); highest among the groups gnomAD compares: South Asian, 3.5%; 110 homozygotes.

Submissions (2):

Breakthrough Genomics
Classification: Benign. Review status: criteria provided, single submitter. Criteria: ACMG Guidelines, 2015. Collection method: not provided. Allele origin: germline. Inheritance: Unknown mechanism. Affected: yes.

Broad Center for Mendelian Genomics, Broad Institute of MIT and Harvard
Classification: Benign for Complex I deficiency. Review status: criteria provided, single submitter. Criteria: ACMG Guidelines, 2015. Collection method: research. Allele origin: germline. Inheritance: Autosomal recessive inheritance. Affected: yes.
Comment: The heterozygous p.Thr76Met variant in ECI1 has been identified in an individual with Complex I deficiency (PMID: 20818383), but has also been identified in >3% of South Asian chromosomes and 19 homozygotes by ExAC. In summary, this variant meets criteria to be classified as benign for autosomal recessive Complex I deficiency.

Literature cited by the submitters: PubMed 20818383 (cited by Broad Center for Mendelian Genomics, Broad Institute of MIT and Harvard).

NM_001919.4(ECI1):c.227C>T (p.Thr76Met)

Gene: ECI1 (enoyl-CoA delta isomerase 1; minus strand). Cytogenetic location: 16p13.3.
Variant type: single nucleotide variant.
Coding change: c.227C>T on transcript NM_001919.4 (MANE Select); coding-DNA position 227, C replaced by T.
Protein change: p.Thr76Met; replaces threonine 76 with methionine.
Molecular consequence: missense variant.
Genome position (GRCh38, 1-based): chr16:2,246,926, G>A on the plus strand (C>T on the coding strand, the complement: ECI1 is on the minus strand). VCF-style: chr16-2246926-G-A. GRCh37 (hg19) VCF-style: chr16-2296927-G-A.
Other names: c.227C>T, p.Thr76Met (NM_001178029.2); short protein forms T76M.
Identifiers: ClinVar variation 979155 (VCV000979155.2), dbSNP rs112729404, ClinGen allele CA7839392.
Genomic context (GRCh38, chr16:2,246,926, plus strand): 5'-AGAATGACACCGCGGAAGCTCTTGTCATTCTCCAGCTTCTCCAGGCTGATGACCAGCTCC[G>A]TCAGAAACTCCAGGCTCAGGCTGTTCACTGGGGGGTTCTTGAATTTCATCACAGCGACCC-3'
Protein context (NP_001910.2, residues 66-86): PVNSLSLEFL[Thr76Met]ELVISLEKLE